The following is an entry in ClinVar:

ClinVar aggregate classification (germline): Uncertain significance (1 of 4 stars; one submission).

Submission:

Dasa
Classification: Uncertain significance. Last evaluated: 2025-08-04. Review status: criteria provided, single submitter. Criteria: DASA Assertion Criteria. Collection method: clinical testing. Allele origin: germline.
Comment: NM_000642.3(AGL):c.3835A>G (p.Arg1279Gly) is a missense variant that results in the substitution of arginine with glycine. This variant is absent from population databases. Computational prediction algorithms are consistent with a deleterious effect. The currently available literature and clinical evidence are not sufficient to establish a definitive association between this variant and the reported condition. Therefore, this variant is classified as a variant of uncertain significance.

NM_000642.3(AGL):c.3835A>G (p.Arg1279Gly)

Gene: AGL (amylo-alpha-1,6-glucosidase and 4-alpha-glucanotransferase; plus strand). Cytogenetic location: 1p21.2.
Variant type: single nucleotide variant.
Coding change: c.3835A>G on transcript NM_000642.3 (MANE Select); coding-DNA position 3835, A replaced by G.
Protein change: p.Arg1279Gly; replaces arginine 1279 with glycine.
Molecular consequence: missense variant.
Genome position (GRCh38, 1-based): chr1:99,910,846, A>G. VCF-style: chr1-99910846-A-G. GRCh37 (hg19) VCF-style: chr1-100376402-A-G.
Other names: c.3835A>G, p.Arg1279Gly (NM_000028.3, NM_000643.3, NM_000644.3 and 1 more transcripts); c.3787A>G, p.Arg1263Gly (NM_000646.3); c.3814A>G, p.Arg1272Gly (NM_001425326.1); c.3634A>G, p.Arg1212Gly (NM_001425327.1); c.3631A>G, p.Arg1211Gly (NM_001425328.1); c.3496A>G, p.Arg1166Gly (NM_001425329.1); c.3457A>G, p.Arg1153Gly (NM_001425332.1); short protein forms R1153G, R1166G, R1211G, R1212G, R1263G, R1272G, R1279G.
Identifiers: ClinVar variation 4885187 (VCV004885187.2).